The following is an entry in ClinVar:

NM_003242.6(TGFBR2):c.690G>A (p.Thr230=)

Gene: TGFBR2 (transforming growth factor beta receptor 2; plus strand). Cytogenetic location: 3p24.1.
Variant type: single nucleotide variant.
Coding change: c.690G>A on transcript NM_003242.6 (MANE Select); coding-DNA position 690, G replaced by A.
Protein change: p.Thr230=; no amino-acid change (threonine 230 retained).
Molecular consequence: synonymous variant. On other transcripts: intron variant (1).
Genome position (GRCh38, 1-based): chr3:30,671,873, G>A. VCF-style: chr3-30671873-G-A. GRCh37 (hg19) VCF-style: chr3-30713365-G-A.
Other names: c.765G>A, p.Thr255= (NM_001024847.3); c.873G>A, p.Thr291= (NM_001407126.1); c.798G>A, p.Thr266= (NM_001407127.1); c.717G>A, p.Thr239= (NM_001407128.1); c.693G>A, p.Thr231= (NM_001407129.1); c.690G>A, p.Thr230= (NM_001407130.1); c.585G>A, p.Thr195= (NM_001407132.1, NM_001407133.1, NM_001407134.1 and 2 more transcripts); c.405G>A, p.Thr135= (NM_001407137.1); and 2 more.
Identifiers: ClinVar variation 344658 (VCV000344658.62), dbSNP rs201560560, ClinGen allele CA049703.

ClinVar aggregate classification (germline): Benign/Likely benign. Review status: criteria provided, multiple submitters, no conflicts (2 of 4 stars). 9 submissions from 9 submitters: Benign (1); Likely benign (8). Last evaluated 2026-01-07.

Conditions:
Loeys-Dietz syndrome 2 (LDS2). Also called: AORTIC ANEURYSM, FAMILIAL THORACIC 3; MARFAN SYNDROME, TYPE II; Marfan syndrome, type 2 (formerly); Marfan Syndrome type 2; Marfan like connective tissue disorder; MFS 2. Identifiers: Orphanet 284973, Orphanet 558, MedGen C2674574, MONDO:0012427, OMIM 610168.
TGFBR2-related disorder. Also called: TGFBR2-related condition.
Familial thoracic aortic aneurysm and aortic dissection (TAAD). Also called: Thoracic aortic aneurysms and dissections. Identifiers: Orphanet 91387, MedGen C4707243, MONDO:0019625.

Allele frequency attached by ClinVar (database versions not stated): TOPMed 0.00002; gnomAD 0.00003; ExAC 0.00007; gnomAD exomes 0.00008.
gnomAD v4.1: 84 of 1,614,066 alleles (0.0052%); highest among the groups gnomAD compares: South Asian, 0.013%; no homozygotes.

Submissions (9):

Labcorp Genetics (formerly Invitae), Labcorp
Classification: Benign for Familial thoracic aortic aneurysm and aortic dissection. Last evaluated: 2026-01-07. Review status: criteria provided, single submitter. Criteria: Invitae Variant Classification Sherloc (09022015). Collection method: clinical testing. Allele origin: germline.

PreventionGenetics, part of Exact Sciences
Classification: Likely benign for TGFBR2-related condition. Last evaluated: 2025-07-21. Review status: criteria provided, single submitter. Criteria: ACMG Guidelines, 2015. Collection method: clinical testing. Allele origin: germline.
Comment: This variant is classified as likely benign based on ACMG/AMP sequence variant interpretation guidelines (Richards et al. 2015 PMID: 25741868, with internal and published modifications).

CeGaT Center for Human Genetics Tuebingen
Classification: Likely benign. Last evaluated: 2024-03-01. Review status: criteria provided, single submitter. Criteria: CeGaT Center For Human Genetics Tuebingen Variant Classification Criteria Version 2. Collection method: clinical testing. Allele origin: germline. Affected: yes. Observed: 4 variant alleles.
Comment: TGFBR2: BP4, BP7

Blueprint Genetics
Classification: Likely benign. Last evaluated: 2023-12-28. Review status: criteria provided, single submitter. Criteria: ACMG Guidelines, 2015. Collection method: clinical testing. Allele origin: germline.

All of Us Research Program, National Institutes of Health
Classification: Likely benign for Loeys-Dietz syndrome 2. Last evaluated: 2023-12-01. Review status: criteria provided, single submitter. Criteria: ACMG Guidelines, 2015. Collection method: clinical testing. Allele origin: germline. Inheritance: Autosomal dominant inheritance. Observed: 27 variant alleles, 27 heterozygotes.
Comment: This study involves interpretation of variants in research participants for the purpose of population health screening. Participant phenotype was not available at the time of variant classification. Additional details can be found in publication PMID: 35346344, PMCID: PMC8962531

CHEO Genetics Diagnostic Laboratory, Children's Hospital of Eastern Ontario
Classification: Likely benign for Familial thoracic aortic aneurysm and aortic dissection. Last evaluated: 2020-11-19. Review status: criteria provided, single submitter. Criteria: ACMG Guidelines, 2015. Collection method: clinical testing. Allele origin: germline.

GeneDx
Classification: Likely benign. Last evaluated: 2019-06-17. Review status: criteria provided, single submitter. Criteria: GeneDx Variant Classification Process June 2021. Collection method: clinical testing. Allele origin: germline. Affected: yes.

Color Diagnostics, LLC DBA Color Health
Classification: Likely benign for Familial thoracic aortic aneurysm and aortic dissection. Last evaluated: 2019-01-07. Review status: criteria provided, single submitter. Criteria: ACMG Guidelines, 2015. Collection method: clinical testing. Allele origin: germline.

Ambry Genetics
Classification: Likely benign for Familial thoracic aortic aneurysm and aortic dissection. Last evaluated: 2018-03-30. Review status: criteria provided, single submitter. Criteria: Ambry Variant Classification Scheme 2023. Collection method: clinical testing. Allele origin: germline.